The following is an entry in ClinVar:

NM_001972.4(ELANE):c.328G>A (p.Asp110Asn)

Gene: ELANE (elastase, neutrophil expressed; plus strand). Cytogenetic location: 19p13.3.
Variant type: single nucleotide variant.
Coding change: c.328G>A on transcript NM_001972.4 (MANE Select); coding-DNA position 328, G replaced by A.
Protein change: p.Asp110Asn; replaces aspartic acid 110 with asparagine.
Molecular consequence: missense variant.
Genome position (GRCh38, 1-based): chr19:853,365, G>A. VCF-style: chr19-853365-G-A. GRCh37 (hg19) VCF-style: chr19-853365-G-A.
Other names: short protein forms D110N.
Identifiers: ClinVar variation 3507773 (VCV003507773.1).
Genomic context (GRCh38, chr19:853,365, plus strand): 5'-TCGCGGCGGGAGCCCACCCGGCAGGTGTTCGCCGTGCAGCGCATCTTCGAAAACGGCTAC[G>A]ACCCCGTAAACTTGCTCAACGACATCGTGATTCTCCAGGTGCCGCCGGGCGGGGCGGGGG-3'
Protein context (NP_001963.1, residues 100-120): AVQRIFENGY[Asp110Asn]PVNLLNDIVI

ClinVar aggregate classification (germline): Uncertain significance (1 of 4 stars; one submission).

Conditions:
Inborn genetic diseases. Identifiers: MedGen C0950123, MeSH D030342.

Submission:

Ambry Genetics
Classification: Uncertain significance for Inborn genetic diseases. Last evaluated: 2024-12-09. Review status: criteria provided, single submitter. Criteria: Ambry Variant Classification Scheme 2023. Collection method: clinical testing. Allele origin: germline.
Comment: The p.D110N variant (also known as c.328G>A), located in coding exon 3 of the ELANE gene, results from a G to A substitution at nucleotide position 328. The aspartic acid at codon 110 is replaced by asparagine, an amino acid with highly similar properties. This amino acid position is conserved. In addition, this alteration is predicted to be tolerated by in silico analysis. Based on the available evidence, the clinical significance of this variant remains unclear.